The following is an entry in ClinVar:

ClinVar aggregate classification (germline): Uncertain significance (1 of 4 stars; one submission).

Conditions:
Tay-Sachs disease, variant AB. Also called: Gm2-gangliosidosis, ab variant; GM2 Activator Deficiency. Identifiers: Orphanet 309246, MedGen C0268275, MONDO:0010099, OMIM 272750.

Submission:

Labcorp Genetics (formerly Invitae), Labcorp
Classification: Uncertain significance for Tay-Sachs disease, variant AB. Last evaluated: 2022-06-21. Review status: criteria provided, single submitter. Criteria: Invitae Variant Classification Sherloc (09022015). Collection method: clinical testing. Allele origin: germline.
Comment: This sequence change replaces methionine, which is neutral and non-polar, with leucine, which is neutral and non-polar, at codon 5 of the GM2A protein (p.Met5Leu). This variant is not present in population databases (gnomAD no frequency). This variant has not been reported in the literature in individuals affected with GM2A-related conditions. Algorithms developed to predict the effect of missense changes on protein structure and function output the following: SIFT: "Tolerated"; PolyPhen-2: "Not Available"; Align-GVGD: "Class C0". The leucine amino acid residue is found in multiple mammalian species, which suggests that this missense change does not adversely affect protein function. In summary, the available evidence is currently insufficient to determine the role of this variant in disease. Therefore, it has been classified as a Variant of Uncertain Significance.

NM_000405.5(GM2A):c.13A>C (p.Met5Leu)

Gene: GM2A (ganglioside GM2 activator; plus strand). Cytogenetic location: 5q33.1.
Variant type: single nucleotide variant.
Coding change: c.13A>C on transcript NM_000405.5 (MANE Select); coding-DNA position 13, A replaced by C.
Protein change: p.Met5Leu; replaces methionine 5 with leucine.
Molecular consequence: missense variant.
Genome position (GRCh38, 1-based): chr5:151,253,229, A>C. VCF-style: chr5-151253229-A-C. GRCh37 (hg19) VCF-style: chr5-150632790-A-C.
Other names: c.13A>C, p.Met5Leu (NM_001167607.3); short protein forms M5L.
Identifiers: ClinVar variation 1983204 (VCV001983204.4), dbSNP rs557461469, ClinGen allele CA361805363.